The following is an entry in ClinVar:

Conditions:
Breast-ovarian cancer, familial, susceptibility to, 1 (BROVCA1). Also called: BRCA1 Hereditary Breast and Ovarian Cancer; OVARIAN CANCER, SUSCEPTIBILITY TO. Identifiers: Orphanet 145, MedGen C2676676, MONDO:0011450, OMIM 604370. Disease mechanism: loss of function.

Submission:

Brotman Baty Institute, University of Washington
No classification provided (evidence only). Condition: Breast-ovarian cancer, familial 1. Review status: no classification provided. Collection method: in vitro. Allele origin: not applicable. Functional consequence: functionally_normal.
ClinVar note: "not provided" was previously submitted as the classification for the variant. However, the classification appeared to be based only on an observation of functional data so it was converted to no classification on 2025-07-30.

NM_007294.4(BRCA1):c.18T>C (p.Leu6=)

Gene: BRCA1 (BRCA1 DNA repair associated; minus strand). Cytogenetic location: 17q21.31.
Variant type: single nucleotide variant.
Coding change: c.18T>C on transcript NM_007294.4 (MANE Select); coding-DNA position 18, T replaced by C.
Protein change: p.Leu6=; no amino-acid change (leucine 6 retained).
Molecular consequence: synonymous variant. On other transcripts: 5 prime UTR variant (136), intron variant (36).
Genome position (GRCh38, 1-based): chr17:43,124,079, A>G on the plus strand (T>C on the coding strand, the complement: BRCA1 is on the minus strand). VCF-style: chr17-43124079-A-G. GRCh37 (hg19) VCF-style: chr17-41276096-A-G.
Other names: c.-171T>C (NM_001407571.1, NM_001407853.1, NM_001407879.1 and 46 more transcripts); c.18T>C, p.Leu6= (NM_001407581.1, NM_001407582.1, NM_001407583.1 and 193 more transcripts); c.-240T>C (NM_001407694.1, NM_001407724.1, NM_001407727.1 and 11 more transcripts); c.-244T>C (NM_001407695.1, NM_001408465.1); c.-385T>C (NM_001407696.1); c.-269T>C (NM_001407697.1, NM_001407846.1, NM_001407920.1); c.-70T>C (NM_001407698.1, NM_001407732.1, NM_001407736.1 and 23 more transcripts); c.-243T>C (NM_001407725.1, NM_001407730.1, NM_001407734.1 and 22 more transcripts); and 23 more.
Identifiers: ClinVar variation 869076 (VCV000869076.3), dbSNP rs2055741449, ClinGen allele CA500131485.
Genomic context (GRCh38, chr17:43,124,079, plus strand): 5'-GATGGGACACTCTAAGATTTTCTGCATAGCATTAATGACATTTTGTACTTCTTCAACGCG[A>G]AGAGCAGATAAATCCATTTCTTTCTGTTCCAATGAACTTTAACACATTAGAAAAACATAT-3'
Protein context (NP_009225.1, residues 1-16): MDLSA[Leu6=]RVEEVQNVIN